The following is an entry in ClinVar:

NM_001165963.4(SCN1A):c.5806A>G (p.Lys1936Glu)

Genes: SCN1A (sodium voltage-gated channel alpha subunit 1; minus strand), LOC102724058 (uncharacterized LOC102724058; plus strand). Cytogenetic location: 2q24.3.
Variant type: single nucleotide variant.
Coding change: c.5806A>G on transcript NM_001165963.4 (MANE Select); coding-DNA position 5806, A replaced by G.
Protein change: p.Lys1936Glu; replaces lysine 1936 with glutamic acid.
Molecular consequence: missense variant. On other transcripts: non-coding transcript variant (1).
Genome position (GRCh38, 1-based): chr2:165,991,469, T>C on the plus strand (A>G on the coding strand, the complement: SCN1A is on the minus strand). VCF-style: chr2-165991469-T-C. GRCh37 (hg19) VCF-style: chr2-166847979-T-C.
Other names: p.K1936E:AAA>GAA; c.5722A>G, p.Lys1908Glu (NM_001165964.3, NM_001353957.2, NM_001353958.2); c.5806A>G, p.Lys1936Glu (NM_001202435.3, NM_001353948.2); c.5773A>G, p.Lys1925Glu (NM_001353949.2, NM_001353950.2, NM_001353951.2 and 2 more transcripts); c.5770A>G, p.Lys1924Glu (NM_001353954.2, NM_001353955.2); c.5719A>G, p.Lys1907Glu (NM_001353960.2); c.3364A>G, p.Lys1122Glu (NM_001353961.2); short protein forms K1925E, K1936E, K1122E, K1907E, K1908E, K1924E.
Identifiers: ClinVar variation 206882 (VCV000206882.7), dbSNP rs796053049, ClinGen allele CA317670.

ClinVar aggregate classification (germline): Conflicting classifications of pathogenicity. Review status: criteria provided, conflicting classifications (1 of 4 stars). 4 submissions from 4 submitters: Likely pathogenic (1); Uncertain significance (3). Last evaluated 2025-02-07.

Conditions:
Early-infantile DEE. Also called: Ohtahara syndrome; Early infantile epileptic encephalopathy; Early infantile epileptic encephalopathy with suppression bursts. Identifiers: Orphanet 1934, MedGen C0393706, MONDO:0800491.
Generalized epilepsy with febrile seizures plus, type 2 (GEFSP2). Also called: GEFS+, TYPE 2. Identifiers: Orphanet 36387, MedGen C1858673, MONDO:0011461, OMIM 604403.

Allele frequency attached by ClinVar (database versions not stated): TOPMed below 0.00001; gnomAD exomes 0.00001.
gnomAD v4.1: 8 of 1,613,922 alleles (0.0005%); highest among the groups gnomAD compares: Non-Finnish European, 0.00068%; no homozygotes.

Submissions (4):

Labcorp Genetics (formerly Invitae), Labcorp
Classification: Uncertain significance for Early-infantile DEE. Last evaluated: 2025-02-07. Review status: criteria provided, single submitter. Criteria: Invitae Variant Classification Sherloc (09022015). Collection method: clinical testing. Allele origin: germline.
Comment: This sequence change replaces lysine, which is basic and polar, with glutamic acid, which is acidic and polar, at codon 1936 of the SCN1A protein (p.Lys1936Glu). This variant is not present in population databases (gnomAD no frequency). This missense change has been observed in individual(s) with epilepsy and/or a neurodevelopmental disorder (PMID: 29655203). ClinVar contains an entry for this variant (Variation ID: 206882). Invitae Evidence Modeling of protein sequence and biophysical properties (such as structural, functional, and spatial information, amino acid conservation, physicochemical variation, residue mobility, and thermodynamic stability) has been performed for this missense variant. However, the output from this modeling did not meet the statistical confidence thresholds required to predict the impact of this variant on SCN1A protein function. In summary, the available evidence is currently insufficient to determine the role of this variant in disease. Therefore, it has been classified as a Variant of Uncertain Significance.

GeneDx
Classification: Likely pathogenic. Last evaluated: 2024-04-12. Review status: criteria provided, single submitter. Criteria: GeneDx Variant Classification Process June 2021. Collection method: clinical testing. Allele origin: germline. Affected: yes.
Comment: Published functional studies demonstrate a damaging effect: K1936E affects critical neddylation, which results in reduced protein stability and functionality (PMID: 33651714); Not observed in large population cohorts (gnomAD); In silico analysis supports that this missense variant has a deleterious effect on protein structure/function; This substitution is predicted to be within the C-terminal cytoplasmic domain; This variant is associated with the following publications: (PMID: Maksemous2019[CaseReport], 29655203, 33651714)

Baylor Genetics
Classification: Uncertain significance for Generalized epilepsy with febrile seizures plus, type 2. Last evaluated: 2024-03-26. Review status: criteria provided, single submitter. Criteria: ACMG Guidelines, 2015. Collection method: clinical testing. Allele origin: unknown.

Blueprint Genetics
Classification: Uncertain significance. Last evaluated: 2023-11-22. Review status: criteria provided, single submitter. Criteria: ACMG Guidelines, 2015. Collection method: clinical testing. Allele origin: germline.

Literature cited by the submitters: PubMed 29655203 (cited by Labcorp Genetics (formerly Invitae), Labcorp).